The following is an entry in ClinVar:

ClinVar aggregate classification (germline): Uncertain significance. Review status: criteria provided, multiple submitters, no conflicts (2 of 4 stars). 2 submissions from 2 submitters: Uncertain significance (2). Last evaluated 2026-01-10.

Allele frequency attached by ClinVar (database versions not stated): TOPMed 0.00004; ExAC 0.00005; gnomAD 0.00005; ESP Exome Variant Server 0.00015.
gnomAD v4.1: 52 of 1,613,758 alleles (0.0032%); highest among the groups gnomAD compares: Middle Eastern, 0.033%; no homozygotes.

Submissions (2):

GeneDx
Classification: Uncertain significance. Last evaluated: 2026-01-10. Review status: criteria provided, single submitter. Criteria: GeneDx Variant Classification Process June 2021. Collection method: clinical testing. Allele origin: germline.
Comment: Reported in a proband with inherited retinal degeneration (IRD) or inherited optic neuropathy (ION) who also harbors an additional missense variant in the LAMA1 gene; however, detailed segregation and clinical information was not provided (PMID: 37734845); In silico analysis suggests that this missense variant does not alter protein structure/function; Not observed at significant frequency in large population cohorts (gnomAD); This variant is associated with the following publications: (PMID: 37734845)

Labcorp Genetics (formerly Invitae), Labcorp
Classification: Uncertain significance. Last evaluated: 2023-09-19. Review status: criteria provided, single submitter. Criteria: Invitae Variant Classification Sherloc (09022015). Collection method: clinical testing. Allele origin: germline.
Comment: This sequence change replaces proline, which is neutral and non-polar, with leucine, which is neutral and non-polar, at codon 2323 of the LAMA1 protein (p.Pro2323Leu). This variant is present in population databases (rs375262660, gnomAD 0.009%). This variant has not been reported in the literature in individuals affected with LAMA1-related conditions. ClinVar contains an entry for this variant (Variation ID: 2184247). Advanced modeling of protein sequence and biophysical properties (such as structural, functional, and spatial information, amino acid conservation, physicochemical variation, residue mobility, and thermodynamic stability) performed at Invitae indicates that this missense variant is not expected to disrupt LAMA1 protein function. In summary, the available evidence is currently insufficient to determine the role of this variant in disease. Therefore, it has been classified as a Variant of Uncertain Significance.

NM_005559.4(LAMA1):c.6968C>T (p.Pro2323Leu)

Gene: LAMA1 (laminin subunit alpha 1; minus strand). Cytogenetic location: 18p11.31.
Variant type: single nucleotide variant.
Coding change: c.6968C>T on transcript NM_005559.4 (MANE Select); coding-DNA position 6968, C replaced by T.
Protein change: p.Pro2323Leu; replaces proline 2323 with leucine.
Molecular consequence: missense variant.
Genome position (GRCh38, 1-based): chr18:6,966,229, G>A on the plus strand (C>T on the coding strand, the complement: LAMA1 is on the minus strand). VCF-style: chr18-6966229-G-A. GRCh37 (hg19) VCF-style: chr18-6966228-G-A.
Other names: c.6968C>T (NM_005559.3); short protein forms P2323L.
Identifiers: ClinVar variation 2184247 (VCV002184247.3), dbSNP rs375262660, ClinGen allele CA8881063.